The following is an entry in ClinVar:

ClinVar aggregate classification (germline): Uncertain significance. Review status: criteria provided, multiple submitters, no conflicts (2 of 4 stars). 4 submissions from 4 submitters: Uncertain significance (4). Last evaluated 2025-08-22.

Conditions:
Hereditary cancer-predisposing syndrome. Also called: Neoplastic Syndromes, Hereditary; Tumor predisposition; Hereditary Cancer Syndrome; Hereditary neoplastic syndrome. Identifiers: Orphanet 140162, MedGen C0027672, MeSH D009386, MONDO:0015356.
Familial adenomatous polyposis 1 (FAP1). Also called: FAMILIAL ADENOMATOUS POLYPOSIS 1, ATTENUATED; POLYPOSIS, ADENOMATOUS INTESTINAL. Identifiers: MedGen C2713442, MONDO:0021056, OMIM 175100. Disease mechanism: loss of function.

Allele frequency attached by ClinVar (database versions not stated): TOPMed 0.00001.

Submissions (4):

Labcorp Genetics (formerly Invitae), Labcorp
Classification: Uncertain significance for Familial adenomatous polyposis 1. Last evaluated: 2025-08-22. Review status: criteria provided, single submitter. Criteria: Invitae Variant Classification Sherloc (09022015). Collection method: clinical testing. Allele origin: germline.
Comment: This sequence change replaces threonine, which is neutral and polar, with alanine, which is neutral and non-polar, at codon 938 of the APC protein (p.Thr938Ala). This variant is not present in population databases (gnomAD no frequency). This variant has not been reported in the literature in individuals affected with APC-related conditions. ClinVar contains an entry for this variant (Variation ID: 482398). Invitae Evidence Modeling of protein sequence and biophysical properties (such as structural, functional, and spatial information, amino acid conservation, physicochemical variation, residue mobility, and thermodynamic stability) indicates that this missense variant is not expected to disrupt APC protein function with a negative predictive value of 95%. In summary, the available evidence is currently insufficient to determine the role of this variant in disease. Therefore, it has been classified as a Variant of Uncertain Significance.

Ambry Genetics
Classification: Uncertain significance for Hereditary cancer-predisposing syndrome. Last evaluated: 2024-01-05. Review status: criteria provided, single submitter. Criteria: Ambry Variant Classification Scheme 2023. Collection method: clinical testing. Allele origin: germline.
Comment: The p.T938A variant (also known as c.2812A>G), located in coding exon 15 of the APC gene, results from an A to G substitution at nucleotide position 2812. The threonine at codon 938 is replaced by alanine, an amino acid with similar properties. This amino acid position is poorly conserved in available vertebrate species. In addition, in silico predictors for this gene do not accurately predict pathogenicity. Since supporting evidence is limited at this time, the clinical significance of this alteration remains unclear.

Mendelics
Classification: Uncertain significance. Last evaluated: 2023-06-19. Review status: criteria provided, single submitter. Criteria: Mendelics Assertion Criteria 2019. Collection method: clinical testing. Allele origin: germline.

Women's Health and Genetics/Laboratory Corporation of America, LabCorp
Classification: Uncertain significance. Last evaluated: 2016-07-15. Review status: criteria provided, single submitter. Criteria: LabCorp Variant Classification Summary - May 2015. Collection method: clinical testing. Allele origin: germline.
Comment: Variant summary: The c.2812A>G (p.Thr938Ala) in APC gene is a missense change that involves a non-conserved nucleotide and 4/5 in silico tools predict benign outcome. The variant of interest is located outside of any known functional domain. The variant is absent from the control population dataset of ExAC and has not, to our knowledge, been reported in affected individuals via published reports or by reputable databases/clinical laboratories. Taking together, the variant was classified as VUS.

NM_000038.6(APC):c.2812A>G (p.Thr938Ala)

Gene: APC (APC regulator of Wnt signaling pathway; plus strand). Cytogenetic location: 5q22.2.
Variant type: single nucleotide variant.
Coding change: c.2812A>G on transcript NM_000038.6 (MANE Select); coding-DNA position 2812, A replaced by G.
Protein change: p.Thr938Ala; replaces threonine 938 with alanine.
Molecular consequence: missense variant.
Genome position (GRCh38, 1-based): chr5:112,838,406, A>G. VCF-style: chr5-112838406-A-G. GRCh37 (hg19) VCF-style: chr5-112174103-A-G.
Other names: c.2812A>G, p.Thr938Ala (NM_001127510.3, NM_001354895.2); c.2758A>G, p.Thr920Ala (NM_001127511.3); c.2866A>G, p.Thr956Ala (NM_001354896.2); c.2842A>G, p.Thr948Ala (NM_001354897.2); c.2737A>G, p.Thr913Ala (NM_001354898.2); c.2728A>G, p.Thr910Ala (NM_001354899.2); c.2689A>G, p.Thr897Ala (NM_001354900.2); c.2635A>G, p.Thr879Ala (NM_001354901.2); and 5 more; short protein forms T938A, T920A, T812A, T913A, T910A, T655A, T778A, T879A.
Identifiers: ClinVar variation 482398 (VCV000482398.14), dbSNP rs965844436, ClinGen allele CA16027464.